The following is an entry in ClinVar:

ClinVar aggregate classification (germline): Uncertain significance (1 of 4 stars; one submission).

Conditions:
Hereditary cancer-predisposing syndrome. Also called: Neoplastic Syndromes, Hereditary; Tumor predisposition; Hereditary neoplastic syndrome; Hereditary Cancer Syndrome. Identifiers: Orphanet 140162, MedGen C0027672, MeSH D009386, MONDO:0015356.

Submission:

Ambry Genetics
Classification: Uncertain significance for Hereditary cancer-predisposing syndrome. Last evaluated: 2026-08-16. Review status: criteria provided, single submitter. Criteria: Ambry Variant Classification Scheme 2023. Collection method: clinical testing. Allele origin: germline.
Comment: The p.L559Q variant (also known as c.1676T>A), located in coding exon 12 of the POLD1 gene, results from a T to A substitution at nucleotide position 1676. The leucine at codon 559 is replaced by glutamine, an amino acid with dissimilar properties. This amino acid position is conserved. In addition, this alteration is predicted to be deleterious by in silico analysis. Based on the available evidence, the clinical significance of this variant remains unclear.

NM_002691.4(POLD1):c.1676T>A (p.Leu559Gln)

Gene: POLD1 (DNA polymerase delta 1, catalytic subunit; plus strand). Cytogenetic location: 19q13.33.
Variant type: single nucleotide variant.
Coding change: c.1676T>A on transcript NM_002691.4 (MANE Select); coding-DNA position 1676, T replaced by A.
Protein change: p.Leu559Gln; replaces leucine 559 with glutamine.
Molecular consequence: missense variant. On other transcripts: non-coding transcript variant (1).
Genome position (GRCh38, 1-based): chr19:50,407,164, T>A. VCF-style: chr19-50407164-T-A. GRCh37 (hg19) VCF-style: chr19-50910421-T-A.
Other names: c.1676T>A, p.Leu559Gln (NM_001256849.1, NM_001308632.1, NM_001438210.1 and 3 more transcripts); short protein forms L559Q.
Identifiers: ClinVar variation 5027006 (VCV005027006.1).
Genomic context (GRCh38, chr19:50,407,164, plus strand): 5'-CTGGCGTGCCCCTCAGCTACCTGCTCAGTCGTGGCCAGCAGGTCAAGGTCGTATCCCAGC[T>A]GTTGCGGCAGGTCAGTAGCCGAGACTTGTCCTCGCCACCCCCCACCAGGCACGTCTGTGG-3'
Protein context (NP_002682.2, residues 549-569): RGQQVKVVSQ[Leu559Gln]LRQAMHEGLL